The following is an entry in ClinVar:

ClinVar aggregate classification (germline): Uncertain significance. Review status: criteria provided, multiple submitters, no conflicts (2 of 4 stars). 2 submissions from 2 submitters: Uncertain significance (2). Last evaluated 2024-09-10.

Conditions:
Epidermolysis bullosa simplex with nail dystrophy (EBS5D). Identifiers: MedGen C4225309, MONDO:0014661, OMIM 616487.
Epidermolysis bullosa simplex, Ogna type (EBS5A). Also called: Pidermolysis bullosa simplex 5A, Ogna type; EPIDERMOLYSIS BULLOSA SIMPLEX 5A, OGNA TYPE. Identifiers: Orphanet 79401, MedGen C0432317, MONDO:0007555, OMIM 131950.
Epidermolysis bullosa simplex 5C, with pyloric atresia (EBS5C). Also called: PLEC1-Related Epidermolysis Bullosa with Pyloric Atresia; PLEC-Related Epidermolysis Bullosa with Pyloric Atresia; Epidermolysis bullosa simplex with pyloric atresia. Identifiers: Orphanet 158684, MedGen C2677349, MONDO:0012807, OMIM 612138.
Epidermolysis bullosa simplex 5B, with muscular dystrophy (EBS5B). Also called: EPIDERMOLYSIS BULLOSA SIMPLEX AND LIMB-GIRDLE MUSCULAR DYSTROPHY; Epidermolysis bullosa simplex with muscular dystrophy. Identifiers: Orphanet 257, MedGen C2931072, MONDO:0009181, OMIM 226670.
Autosomal recessive limb-girdle muscular dystrophy type 2Q (LGMDR17). Also called: MUSCULAR DYSTROPHY, LIMB-GIRDLE, AUTOSOMAL RECESSIVE 17. Identifiers: Orphanet 254361, MedGen C3150989, MONDO:0013390, OMIM 613723.

Allele frequency attached by ClinVar (database versions not stated): ExAC 0.00001; gnomAD 0.00001; gnomAD exomes 0.00001; TOPMed 0.00001; ESP Exome Variant Server 0.00008.
gnomAD v4.1: 10 of 1,613,130 alleles (0.00062%); highest among the groups gnomAD compares: Admixed American, 0.0017%; no homozygotes.

Submissions (2):

Labcorp Genetics (formerly Invitae), Labcorp
Classification: Uncertain significance for Autosomal recessive limb-girdle muscular dystrophy type 2Q; Epidermolysis bullosa simplex, Ogna type; Epidermolysis bullosa simplex with nail dystrophy; Epidermolysis bullosa simplex 5C, with pyloric atresia; Epidermolysis bullosa simplex 5B, with muscular dystrophy. Last evaluated: 2024-09-10. Review status: criteria provided, single submitter. Criteria: Invitae Variant Classification Sherloc (09022015). Collection method: clinical testing. Allele origin: germline.
Comment: This sequence change replaces tyrosine, which is neutral and polar, with cysteine, which is neutral and slightly polar, at codon 2923 of the PLEC protein (p.Tyr2923Cys). This variant is present in population databases (rs375069554, gnomAD 0.003%). This variant has not been reported in the literature in individuals affected with PLEC-related conditions. ClinVar contains an entry for this variant (Variation ID: 393022). Invitae Evidence Modeling of protein sequence and biophysical properties (such as structural, functional, and spatial information, amino acid conservation, physicochemical variation, residue mobility, and thermodynamic stability) has been performed for this missense variant. However, the output from this modeling did not meet the statistical confidence thresholds required to predict the impact of this variant on PLEC protein function. In summary, the available evidence is currently insufficient to determine the role of this variant in disease. Therefore, it has been classified as a Variant of Uncertain Significance.

GeneDx
Classification: Uncertain significance. Last evaluated: 2020-12-11. Review status: criteria provided, single submitter. Criteria: GeneDx Variant Classification Process June 2021. Collection method: clinical testing. Allele origin: germline. Affected: yes.
Comment: Not observed at a significant frequency in large population cohorts (Lek et al., 2016); In silico analysis supports that this missense variant has a deleterious effect on protein structure/function; Missense variant in a gene in which most reported pathogenic variants are truncating/loss-of-function; Has not been previously published as pathogenic or benign to our knowledge

NM_201384.3(PLEC):c.8687A>G (p.Tyr2896Cys)

Gene: PLEC (plectin; minus strand). Cytogenetic location: 8q24.3.
Variant type: single nucleotide variant.
Coding change: c.8687A>G on transcript NM_201384.3 (MANE Select); coding-DNA position 8687, A replaced by G.
Protein change: p.Tyr2896Cys; replaces tyrosine 2896 with cysteine.
Molecular consequence: missense variant.
Genome position (GRCh38, 1-based): chr8:143,921,134, T>C on the plus strand (A>G on the coding strand, the complement: PLEC is on the minus strand). VCF-style: chr8-143921134-T-C. GRCh37 (hg19) VCF-style: chr8-144995302-T-C.
Other names: c.8768A>G, p.Tyr2923Cys (NM_000445.5); c.8645A>G, p.Tyr2882Cys (NM_201378.4); c.8621A>G, p.Tyr2874Cys (NM_201379.3); c.9098A>G, p.Tyr3033Cys (NM_201380.4); c.8591A>G, p.Tyr2864Cys (NM_201381.3); c.8687A>G, p.Tyr2896Cys (NM_201382.4); c.8699A>G, p.Tyr2900Cys (NM_201383.3); short protein forms Y2864C, Y2874C, Y2882C, Y2896C, Y2900C, Y2923C, Y3033C.
Identifiers: ClinVar variation 393022 (VCV000393022.5), dbSNP rs375069554, ClinGen allele CA4925217.